The following is an entry in ClinVar:

NM_001909.5(CTSD):c.832G>T (p.Glu278Ter)

Gene: CTSD (cathepsin D; minus strand). Cytogenetic location: 11p15.5.
Variant type: single nucleotide variant.
Coding change: c.832G>T on transcript NM_001909.5 (MANE Select); coding-DNA position 832, G replaced by T.
Protein change: p.Glu278Ter; replaces glutamic acid 278 with a stop codon.
Molecular consequence: nonsense.
Genome position (GRCh38, 1-based): chr11:1,754,134, C>A on the plus strand (G>T on the coding strand, the complement: CTSD is on the minus strand). VCF-style: chr11-1754134-C-A. GRCh37 (hg19) VCF-style: chr11-1775364-C-A.
Other names: short protein forms E278*.
Identifiers: ClinVar variation 2096023 (VCV002096023.4), dbSNP rs1402574017, ClinGen allele CA379094195.

ClinVar aggregate classification (germline): Pathogenic (1 of 4 stars; one submission).

Conditions:
Neuronal ceroid lipofuscinosis. Also called: Neuronal Ceroid Lipofuscinoses. Identifiers: Orphanet 216, Orphanet 79263, MedGen C0027877, MONDO:0016295. Disease mechanism: loss of function.

Submission:

Labcorp Genetics (formerly Invitae), Labcorp
Classification: Pathogenic for Neuronal ceroid lipofuscinosis. Last evaluated: 2022-02-22. Review status: criteria provided, single submitter. Criteria: Invitae Variant Classification Sherloc (09022015). Collection method: clinical testing. Allele origin: germline.
Comment: For these reasons, this variant has been classified as Pathogenic. This variant has not been reported in the literature in individuals affected with CTSD-related conditions. This variant is not present in population databases (gnomAD no frequency). This sequence change creates a premature translational stop signal (p.Glu278*) in the CTSD gene. It is expected to result in an absent or disrupted protein product. Loss-of-function variants in CTSD are known to be pathogenic (PMID: 16670177, 26059544).

Literature cited by the submitters: PubMed 16670177; PubMed 26059544.